The following is an entry in ClinVar:

NM_001184.4(ATR):c.4151T>G (p.Val1384Gly)

Gene: ATR (ATR checkpoint kinase; minus strand). Cytogenetic location: 3q23.
Variant type: single nucleotide variant.
Coding change: c.4151T>G on transcript NM_001184.4 (MANE Select); coding-DNA position 4151, T replaced by G.
Protein change: p.Val1384Gly; replaces valine 1384 with glycine.
Molecular consequence: missense variant.
Genome position (GRCh38, 1-based): chr3:142,523,994, A>C on the plus strand (T>G on the coding strand, the complement: ATR is on the minus strand). VCF-style: chr3-142523994-A-C. GRCh37 (hg19) VCF-style: chr3-142242836-A-C.
Other names: c.3959T>G, p.Val1320Gly (NM_001354579.2); short protein forms V1320G, V1384G.
Identifiers: ClinVar variation 1738271 (VCV001738271.2), dbSNP rs2473264677, ClinGen allele CA354801879.
Genomic context (GRCh38, chr3:142,523,994, plus strand): 5'-ATATATAAACCTCAATAGGACAGAGAACTCTTTTGTCATTCCAAATTTCCACTACTTACC[A>C]CAAATGTAAAATCTTTTCCTTGAGTTTCAGTTGTTGAGAAATCTAATCGACCTGGATCTA-3'
Protein context (NP_001175.2, residues 1374-1394): TETQGKDFTF[Val1384Gly]TGVEDSSFAY

ClinVar aggregate classification (germline): Uncertain significance (1 of 4 stars; one submission).

Conditions:
Inborn genetic diseases. Identifiers: MedGen C0950123, MeSH D030342.

Submission:

Ambry Genetics
Classification: Uncertain significance for Inborn genetic diseases. Last evaluated: 2022-08-16. Review status: criteria provided, single submitter. Criteria: Ambry Variant Classification Scheme 2023. Collection method: clinical testing. Allele origin: germline.
Comment: The p.V1384G variant (also known as c.4151T>G), located in coding exon 22 of the ATR gene, results from a T to G substitution at nucleotide position 4151. The valine at codon 1384 is replaced by glycine, an amino acid with dissimilar properties. This amino acid position is conserved. In addition, the in silico prediction for this alteration is inconclusive. Since supporting evidence is limited at this time, the clinical significance of this alteration remains unclear.